The following is an entry in ClinVar:

ClinVar aggregate classification (germline): Pathogenic. Review status: criteria provided, multiple submitters, no conflicts (2 of 4 stars). 2 submissions from 2 submitters: Pathogenic (2). Last evaluated 2024-05-15.

Conditions:
Long QT syndrome (LQTS). Identifiers: MedGen C0023976, MeSH D008133, MONDO:0002442. Disease mechanism: loss of function. Inheritance: Various modes of inheritance.

Allele frequency attached by ClinVar (database versions not stated): gnomAD exomes below 0.00001.

Submissions (2):

Labcorp Genetics (formerly Invitae), Labcorp
Classification: Pathogenic for Long QT syndrome. Last evaluated: 2024-05-15. Review status: criteria provided, single submitter. Criteria: Invitae Variant Classification Sherloc (09022015). Collection method: clinical testing. Allele origin: germline.
Comment: This sequence change creates a premature translational stop signal (p.Lys28*) in the KCNH2 gene. It is expected to result in an absent or disrupted protein product. Loss-of-function variants in KCNH2 are known to be pathogenic (PMID: 10973849, 19862833). This variant is not present in population databases (gnomAD no frequency). This variant has not been reported in the literature in individuals affected with KCNH2-related conditions. ClinVar contains an entry for this variant (Variation ID: 200715). For these reasons, this variant has been classified as Pathogenic.

GeneDx
Classification: Pathogenic. Last evaluated: 2016-09-21. Review status: criteria provided, single submitter. Criteria: GeneDx Variant Classification (06012015). Collection method: clinical testing. Allele origin: germline. Affected: yes.
Comment: Although the c.81dupT pathogenic variant in the KCNH2 gene has not been reported to our knowledge, this variant causes a duplication of a single nucleotide that results in a premature stop codon at residue 28, denoted p.K28X. This pathogenic variant is expected to result in either an abnormal, truncated protein product or loss of protein from this allele through nonsense-mediated mRNA decay. Furthermore, the c.81dupT variant was not observed in approximately 6,500 individuals of European and African American ancestry in the NHLBI Exome Sequencing Project, indicating it is not a common benign variant in these populations.

Literature cited by the submitters: PubMed 10973849 (cited by Labcorp Genetics (formerly Invitae), Labcorp); PubMed 19862833 (cited by Labcorp Genetics (formerly Invitae), Labcorp).

NM_000238.4(KCNH2):c.81dup (p.Lys28Ter)

Gene: KCNH2 (potassium voltage-gated channel subfamily H member 2; minus strand). Cytogenetic location: 7q36.1.
Variant type: Duplication.
Coding change: c.81dup on transcript NM_000238.4 (MANE Select); coding-DNA position 81, one base duplicated (T; older notation c.81dupT).
Protein change: p.Lys28Ter; replaces lysine 28 with a stop codon.
Molecular consequence: nonsense. On other transcripts: frameshift variant (1).
Genome position (GRCh38, 1-based): chr7:150,974,937, A duplicated on the plus strand (T on the coding strand, the reverse complement: KCNH2 is on the minus strand). VCF-style (leftmost placement, unchanged base first): chr7-150974936-T-TA. GRCh37 (hg19) VCF-style: chr7-150672024-T-TA.
Other names: p.K28X:AAG>TAA; c.-97dup (NM_001406755.1); c.81dup, p.Lys28Terfs (NM_172056.3); short protein forms K28*.
Identifiers: ClinVar variation 200715 (VCV000200715.13), dbSNP rs794728475, ClinGen allele CA305341.